The following is an entry in ClinVar:

ClinVar aggregate classification (germline): Benign (0 of 4 stars; one submission).

Conditions:
DDX53-related disorder. Also called: DDX53-related condition.

Allele frequency attached by ClinVar (database versions not stated): gnomAD exomes 0.00039; gnomAD 0.00044; TOPMed 0.00056; ExAC 0.00112; 1000 Genomes Project 30x 0.00125; 1000 Genomes Project 0.00159.

Submission:

PreventionGenetics, part of Exact Sciences
Classification: Benign for DDX53-related condition. Last evaluated: 2019-06-19. Review status: no assertion criteria provided. Collection method: clinical testing. Allele origin: germline.
Comment: This variant is classified as benign based on ACMG/AMP sequence variant interpretation guidelines (Richards et al. 2015 PMID: 25741868, with internal and published modifications).

NM_182699.4(DDX53):c.1599T>C (p.Leu533=)

Genes: DDX53 (DEAD-box helicase 53; plus strand), PTCHD1-AS (PTCHD1 antisense RNA (head to head); minus strand). Cytogenetic location: Xp22.11.
Variant type: single nucleotide variant.
Coding change: c.1599T>C on transcript NM_182699.4 (MANE Select); coding-DNA position 1599, T replaced by C.
Protein change: p.Leu533=; no amino-acid change (leucine 533 retained).
Molecular consequence: synonymous variant.
Genome position (GRCh38, 1-based): chrX:23,001,656, T>C. VCF-style: chrX-23001656-T-C. GRCh37 (hg19) VCF-style: chrX-23019773-T-C.
Identifiers: ClinVar variation 3042881 (VCV003042881.2), dbSNP rs185415782, ClinGen allele CA10368897.
Genomic context (GRCh38, chrX:23,001,656, plus strand): 5'-TAAAAGCGGAAACATAAAGATACTGATTACAACTGATATAGTATCCCGAGGTCTTGATCT[T>C]AATGATGTCACACATGTATATAATTATGATTTCCCAAGGAATATTGACGTATATGTACAC-3'
Protein context (NP_874358.2, residues 523-543): TTDIVSRGLD[Leu533=]NDVTHVYNYD